The following is an entry in ClinVar:

NM_002474.3(MYH11):c.5428T>C (p.Ser1810Pro)

Genes: NDE1 (nudE neurodevelopment protein 1; plus strand), MYH11 (myosin heavy chain 11; minus strand). Cytogenetic location: 16p13.11.
Variant type: single nucleotide variant.
Coding change: c.5428T>C on transcript NM_002474.3 (MANE Select); coding-DNA position 5428, T replaced by C.
Protein change: p.Ser1810Pro; replaces serine 1810 with proline.
Molecular consequence: missense variant. On other transcripts: intron variant (2).
Genome position (GRCh38, 1-based): chr16:15,717,216, A>G on the plus strand (T>C on the coding strand, the complement: MYH11 is on the minus strand). VCF-style: chr16-15717216-A-G. GRCh37 (hg19) VCF-style: chr16-15811073-A-G.
Other names: c.5449T>C, p.Ser1817Pro (NM_001040113.2, NM_001040114.2); c.5428T>C, p.Ser1810Pro (NM_022844.3); c.948-6975A>G (NM_001143979.2, NM_017668.3); short protein forms S1810P, S1817P.
Identifiers: ClinVar variation 2773789 (VCV002773789.5), dbSNP rs751355793, ClinGen allele CA7921274.

ClinVar aggregate classification (germline): Uncertain significance. Review status: criteria provided, multiple submitters, no conflicts (2 of 4 stars). 2 submissions from 2 submitters: Uncertain significance (2). Last evaluated 2024-03-06.

Conditions:
Familial thoracic aortic aneurysm and aortic dissection (TAAD). Also called: Thoracic aortic aneurysms and dissections. Identifiers: Orphanet 91387, MedGen C4707243, MONDO:0019625.
Aortic aneurysm, familial thoracic 4 (AAT4). Also called: AORTIC ANEURYSM/AORTIC DISSECTION AND PATENT DUCTUS ARTERIOSUS. Identifiers: MedGen C1851504, MONDO:0007568, OMIM 132900.

Allele frequency attached by ClinVar (database versions not stated): gnomAD exomes 0.00001; gnomAD 0.00002; ExAC 0.00003.
gnomAD v4.1: 9 of 1,613,952 alleles (0.00056%); highest among the groups gnomAD compares: Non-Finnish European, 0.000085%; no homozygotes.

Submissions (2):

Color Diagnostics, LLC DBA Color Health
Classification: Uncertain significance for Familial thoracic aortic aneurysm and aortic dissection. Last evaluated: 2024-03-06. Review status: criteria provided, single submitter. Criteria: ACMG Guidelines, 2015. Collection method: clinical testing. Allele origin: germline.
Comment: This missense variant replaces serine with proline at codon 1817 of the MYH11 protein. Computational prediction is inconclusive regarding the impact of this variant on protein structure and function (internally defined REVEL score threshold 0.5 < inconclusive < 0.7, PMID: 27666373). To our knowledge, functional studies have not been reported for this variant. This variant has not been reported in individuals affected with cardiovascular disorders in the literature. This variant has been identified in 6/282740 chromosomes in the general population by the Genome Aggregation Database (gnomAD). The available evidence is insufficient to determine the role of this variant in disease conclusively. Therefore, this variant is classified as a Variant of Uncertain Significance.

Labcorp Genetics (formerly Invitae), Labcorp
Classification: Uncertain significance for Aortic aneurysm, familial thoracic 4. Last evaluated: 2023-06-15. Review status: criteria provided, single submitter. Criteria: Invitae Variant Classification Sherloc (09022015). Collection method: clinical testing. Allele origin: germline.
Comment: In summary, the available evidence is currently insufficient to determine the role of this variant in disease. Therefore, it has been classified as a Variant of Uncertain Significance. Advanced modeling of protein sequence and biophysical properties (such as structural, functional, and spatial information, amino acid conservation, physicochemical variation, residue mobility, and thermodynamic stability) performed at Invitae indicates that this missense variant is not expected to disrupt MYH11 protein function. This variant has not been reported in the literature in individuals affected with MYH11-related conditions. This variant is present in population databases (rs751355793, gnomAD 0.02%). This sequence change replaces serine, which is neutral and polar, with proline, which is neutral and non-polar, at codon 1817 of the MYH11 protein (p.Ser1817Pro).